The following is an entry in ClinVar:

ClinVar aggregate classification (germline): Pathogenic (1 of 4 stars; one submission).

gnomAD v4.1: 1 of 1,614,062 alleles (0.000062%); highest among the groups gnomAD compares: Non-Finnish European, 0.000085%; no homozygotes.

Submission:

Labcorp Genetics (formerly Invitae), Labcorp
Classification: Pathogenic. Last evaluated: 2024-05-28. Review status: criteria provided, single submitter. Criteria: Invitae Variant Classification Sherloc (09022015). Collection method: clinical testing. Allele origin: germline.
Comment: This sequence change creates a premature translational stop signal (p.Arg1836*) in the LCT gene. It is expected to result in an absent or disrupted protein product. Loss-of-function variants in LCT are known to be pathogenic (PMID: 16400612, 25881162). This variant is not present in population databases (gnomAD no frequency). This variant has not been reported in the literature in individuals affected with LCT-related conditions. For these reasons, this variant has been classified as Pathogenic.

Literature cited by the submitters: PubMed 16400612; PubMed 25881162.

NM_002299.4(LCT):c.5506C>T (p.Arg1836Ter)

Gene: LCT (lactase; minus strand). Cytogenetic location: 2q21.3.
Variant type: single nucleotide variant.
Coding change: c.5506C>T on transcript NM_002299.4 (MANE Select); coding-DNA position 5506, C replaced by T.
Protein change: p.Arg1836Ter; replaces arginine 1836 with a stop codon.
Molecular consequence: nonsense.
Genome position (GRCh38, 1-based): chr2:135,789,628, G>A on the plus strand (C>T on the coding strand, the complement: LCT is on the minus strand). VCF-style: chr2-135789628-G-A. GRCh37 (hg19) VCF-style: chr2-136547198-G-A.
Other names: short protein forms R1836*.
Identifiers: ClinVar variation 3608962 (VCV003608962.2).
Genomic context (GRCh38, chr2:135,789,628, plus strand): 5'-CACCTGGCTGGTGGAGACAAGCGTGAGGCCCTGTAGCGGGGTCAGGGAAGCCATTGCATC[G>A]GACCACAGAGGCGTAGAACTTCGCTGATGCTTTGGGGATCCTTGGCAGAGAAGGGTCACT-3'